The following is an entry in ClinVar:

ClinVar aggregate classification (germline): Pathogenic (1 of 4 stars; one submission).

Conditions:
Glycine encephalopathy. Also called: Non-ketotic hyperglycinemia; Nonketotic hyperglycinemia. Identifiers: Orphanet 407, MedGen C0751748, MONDO:0011612, HP:0008288.

Submission:

Labcorp Genetics (formerly Invitae), Labcorp
Classification: Pathogenic for Glycine encephalopathy. Last evaluated: 2023-01-12. Review status: criteria provided, single submitter. Criteria: Invitae Variant Classification Sherloc (09022015). Collection method: clinical testing. Allele origin: germline.
Comment: For these reasons, this variant has been classified as Pathogenic. ClinVar contains an entry for this variant (Variation ID: 583199). This variant has not been reported in the literature in individuals affected with GLDC-related conditions. This variant is not present in population databases (gnomAD no frequency). This sequence change creates a premature translational stop signal (p.Tyr138Asnfs*4) in the GLDC gene. It is expected to result in an absent or disrupted protein product. Loss-of-function variants in GLDC are known to be pathogenic (PMID: 16601880).

Literature cited by the submitters: PubMed 16601880.

NM_000170.3(GLDC):c.411_412insAATA (p.Tyr138fs)

Gene: GLDC (glycine decarboxylase; minus strand). Cytogenetic location: 9p24.1.
Variant type: Insertion.
Coding change: c.411_412insAATA on transcript NM_000170.3 (MANE Select); coding-DNA positions 411 to 412, AATA inserted.
Protein change: p.Tyr138fs; shifts the reading frame from tyrosine 138.
Molecular consequence: frameshift variant.
Genome position: GRCh38 VCF-style: chr9-6620242-A-ATATT. GRCh37 (hg19) VCF-style: chr9-6620242-A-ATATT.
Other names: short protein forms Y138fs.
Identifiers: ClinVar variation 583199 (VCV000583199.7), dbSNP rs1563864784, ClinGen allele CA891843149.